The following is an entry in ClinVar:

ClinVar aggregate classification (germline): Uncertain significance (1 of 4 stars; one submission).

Conditions:
Familial cancer of breast. Also called: BREAST CANCER, FAMILIAL; Hereditary breast cancer; hereditary breast carcinoma. Identifiers: Orphanet 227535, MedGen C0346153, MONDO:0016419, OMIM 114480. Disease mechanism: loss of function.

Submission:

Labcorp Genetics (formerly Invitae), Labcorp
Classification: Uncertain significance for Familial cancer of breast. Last evaluated: 2022-03-07. Review status: criteria provided, single submitter. Criteria: Invitae Variant Classification Sherloc (09022015). Collection method: clinical testing. Allele origin: germline.
Comment: In summary, the available evidence is currently insufficient to determine the role of this variant in disease. Therefore, it has been classified as a Variant of Uncertain Significance. Algorithms developed to predict the effect of missense changes on protein structure and function are either unavailable or do not agree on the potential impact of this missense change (SIFT: "Deleterious"; PolyPhen-2: "Probably Damaging"; Align-GVGD: "Class C15"). This variant is not present in population databases (gnomAD no frequency). This sequence change replaces asparagine, which is neutral and polar, with aspartic acid, which is acidic and polar, at codon 425 of the BARD1 protein (p.Asn425Asp). This variant has not been reported in the literature in individuals affected with BARD1-related conditions. ClinVar contains an entry for this variant (Variation ID: 1053880).

NM_000465.4(BARD1):c.1273A>G (p.Asn425Asp)

Gene: BARD1 (BRCA1 associated RING domain 1; minus strand). Cytogenetic location: 2q35.
Variant type: single nucleotide variant.
Coding change: c.1273A>G on transcript NM_000465.4 (MANE Select); coding-DNA position 1273, A replaced by G.
Protein change: p.Asn425Asp; replaces asparagine 425 with aspartic acid.
Molecular consequence: missense variant. On other transcripts: non-coding transcript variant (2), intron variant (3).
Genome position (GRCh38, 1-based): chr2:214,780,601, T>C on the plus strand (A>G on the coding strand, the complement: BARD1 is on the minus strand). VCF-style: chr2-214780601-T-C. GRCh37 (hg19) VCF-style: chr2-215645325-T-C.
Other names: c.1216A>G, p.Asn406Asp (NM_001282543.2); c.159-28046A>G (NM_001282548.2); c.215+16460A>G (NM_001282545.2); c.364+11696A>G (NM_001282549.2); short protein forms N406D, N425D.
Identifiers: ClinVar variation 1053880 (VCV001053880.11), dbSNP rs2106107709, ClinGen allele CA350453451.